The following is an entry in ClinVar:

NC_000016.10:g.67660381G>T

Genes: ACD (ACD shelterin complex subunit and telomerase recruitment factor; minus strand), LOC130059224 (ATAC-STARR-seq lymphoblastoid silent region 7617; plus strand). Cytogenetic location: 16q22.1.
Variant type: single nucleotide variant.
Genome position: GRCh38 VCF-style: chr16-67660381-G-T. GRCh37 (hg19) VCF-style: chr16-67694284-G-T.
Identifiers: ClinVar variation 1719901 (VCV001719901.6), dbSNP rs556642707, ClinGen allele CA8114911.
Genomic context (GRCh38, chr16:67,660,381, plus strand): 5'-CGGAGGAGGAGGCCCCGCCCACGTACACCCCGCGCCTGCGCACGAGGGCGTCCTGCTCGG[G>T]GGCCTGTGTGCAGACTCCCGCTGGTCCACCCCGCTGGTGCACGGGATGCTGGCCCGTTTA-3'

ClinVar aggregate classification (germline): Uncertain significance (1 of 4 stars; one submission).

Conditions:
Dyskeratosis congenita, autosomal dominant 6 (DKCA6). Identifiers: Orphanet 3322, MedGen C4225284, MONDO:0014690, OMIM 616553.

Allele frequency attached by ClinVar (database versions not stated): gnomAD exomes below 0.00001; ExAC 0.00001.

Submission:

Labcorp Genetics (formerly Invitae), Labcorp
Classification: Uncertain significance for Dyskeratosis congenita, autosomal dominant 6. Last evaluated: 2022-09-20. Review status: criteria provided, single submitter. Criteria: Invitae Variant Classification Sherloc (09022015). Collection method: clinical testing. Allele origin: germline.
Comment: Algorithms developed to predict the effect of missense changes on protein structure and function (SIFT, PolyPhen-2, Align-GVGD) all suggest that this variant is likely to be tolerated. In summary, the available evidence is currently insufficient to determine the role of this variant in disease. Therefore, it has been classified as a Variant of Uncertain Significance. This variant has not been reported in the literature in individuals affected with ACD-related conditions. This variant is present in population databases (rs556642707, gnomAD 0.003%). This sequence change replaces proline, which is neutral and non-polar, with histidine, which is basic and polar, at codon 33 of the ACD protein (p.Pro33His).